The following is an entry in ClinVar:

NM_172364.5(CACNA2D4):c.1707C>G (p.Asp569Glu)

Gene: CACNA2D4 (calcium voltage-gated channel auxiliary subunit alpha2delta 4; minus strand). Cytogenetic location: 12p13.33.
Variant type: single nucleotide variant.
Coding change: c.1707C>G on transcript NM_172364.5 (MANE Select); coding-DNA position 1707, C replaced by G.
Protein change: p.Asp569Glu; replaces aspartic acid 569 with glutamic acid.
Molecular consequence: missense variant.
Genome position (GRCh38, 1-based): chr12:1,878,327, G>C on the plus strand (C>G on the coding strand, the complement: CACNA2D4 is on the minus strand). VCF-style: chr12-1878327-G-C. GRCh37 (hg19) VCF-style: chr12-1987493-G-C.
Other names: short protein forms D569E.
Identifiers: ClinVar variation 1015335 (VCV001015335.7), dbSNP rs990661571, ClinGen allele CA231551070.

ClinVar aggregate classification (germline): Uncertain significance. Review status: criteria provided, multiple submitters, no conflicts (2 of 4 stars). 2 submissions from 2 submitters: Uncertain significance (2). Last evaluated 2024-09-19.

Allele frequency attached by ClinVar (database versions not stated): TOPMed below 0.00001; gnomAD 0.00001.
gnomAD v4.1: 1 of 1,609,632 alleles (0.000062%); highest among the groups gnomAD compares: Admixed American, 0.0017%; no homozygotes.

Submissions (2):

Blueprint Genetics
Classification: Uncertain significance. Last evaluated: 2024-09-19. Review status: criteria provided, single submitter. Criteria: ACMG Guidelines, 2015. Collection method: clinical testing. Allele origin: germline.

Labcorp Genetics (formerly Invitae), Labcorp
Classification: Uncertain significance. Last evaluated: 2022-08-15. Review status: criteria provided, single submitter. Criteria: Invitae Variant Classification Sherloc (09022015). Collection method: clinical testing. Allele origin: germline.
Comment: In summary, the available evidence is currently insufficient to determine the role of this variant in disease. Therefore, it has been classified as a Variant of Uncertain Significance. Algorithms developed to predict the effect of missense changes on protein structure and function are either unavailable or do not agree on the potential impact of this missense change (SIFT: "Deleterious"; PolyPhen-2: "Benign"; Align-GVGD: "Class C0"). ClinVar contains an entry for this variant (Variation ID: 1015335). This variant has not been reported in the literature in individuals affected with CACNA2D4-related conditions. This variant is not present in population databases (gnomAD no frequency). This sequence change replaces aspartic acid, which is acidic and polar, with glutamic acid, which is acidic and polar, at codon 569 of the CACNA2D4 protein (p.Asp569Glu).